The following is an entry in ClinVar:

NM_001463.4(FRZB):c.450C>A (p.Pro150=)

Gene: FRZB (frizzled related protein; minus strand). Cytogenetic location: 2q32.1.
Variant type: single nucleotide variant.
Coding change: c.450C>A on transcript NM_001463.4 (MANE Select); coding-DNA position 450, C replaced by A.
Protein change: p.Pro150=; no amino-acid change (proline 150 retained).
Molecular consequence: synonymous variant.
Genome position (GRCh38, 1-based): chr2:182,866,103, G>T on the plus strand (C>A on the coding strand, the complement: FRZB is on the minus strand). VCF-style: chr2-182866103-G-T. GRCh37 (hg19) VCF-style: chr2-183730831-G-T.
Identifiers: ClinVar variation 2651736 (VCV002651736.24), dbSNP rs144510376, ClinGen allele CA2014041.
Genomic context (GRCh38, chr2:182,866,103, plus strand): 5'-GTAAGGGAAGGGTGGGCCGTGTCAAAACTCACCAGCTCCGTCCGCAGTAACGATGGCCTC[G>T]GGAGAGATGCACACGCCCCTGTCGTACACTGGCAGCTCCTCGCAGGCCAGGTTCTCCGGC-3'
Protein context (NP_001454.2, residues 140-160): PVYDRGVCIS[Pro150=]EAIVTADGAD

ClinVar aggregate classification (germline): Likely benign (1 of 4 stars; one submission).

gnomAD v4.1: 17 of 1,613,474 alleles (0.0011%); highest among the groups gnomAD compares: Middle Eastern, 0.05%; no homozygotes.

Submission:

CeGaT Center for Human Genetics Tuebingen
Classification: Likely benign. Last evaluated: 2022-07-01. Review status: criteria provided, single submitter. Criteria: CeGaT Center For Human Genetics Tuebingen Variant Classification Criteria Version 2. Collection method: clinical testing. Allele origin: germline. Affected: yes. Observed: 1 variant allele.
Comment: FRZB: BP4, BP7